The following is an entry in ClinVar:

ClinVar aggregate classification (germline): Uncertain significance (1 of 4 stars; one submission).

Conditions:
Hereditary cancer-predisposing syndrome. Also called: Neoplastic Syndromes, Hereditary; Tumor predisposition; Hereditary Cancer Syndrome; Hereditary neoplastic syndrome. Identifiers: Orphanet 140162, MedGen C0027672, MeSH D009386, MONDO:0015356.

Submission:

Ambry Genetics
Classification: Uncertain significance for Hereditary cancer-predisposing syndrome. Last evaluated: 2025-09-20. Review status: criteria provided, single submitter. Criteria: Ambry Variant Classification Scheme 2023. Collection method: clinical testing. Allele origin: germline.
Comment: The p.H1275L variant (also known as c.3824A>T), located in coding exon 31 of the POLE gene, results from an A to T substitution at nucleotide position 3824. The histidine at codon 1275 is replaced by leucine, an amino acid with similar properties. This amino acid position is conserved. In addition, the in silico prediction for this alteration is inconclusive. Based on the available evidence, the clinical significance of this variant remains unclear.

NM_006231.4(POLE):c.3824A>T (p.His1275Leu)

Gene: POLE (DNA polymerase epsilon, catalytic subunit; minus strand). Cytogenetic location: 12q24.33.
Variant type: single nucleotide variant.
Coding change: c.3824A>T on transcript NM_006231.4 (MANE Select); coding-DNA position 3824, A replaced by T.
Protein change: p.His1275Leu; replaces histidine 1275 with leucine.
Molecular consequence: missense variant.
Genome position (GRCh38, 1-based): chr12:132,649,487, T>A on the plus strand (A>T on the coding strand, the complement: POLE is on the minus strand). VCF-style: chr12-132649487-T-A. GRCh37 (hg19) VCF-style: chr12-133226073-T-A.
Other names: short protein forms H1275L.
Identifiers: ClinVar variation 4671538 (VCV004671538.1).